The following is an entry in ClinVar:

ClinVar aggregate classification (germline): Uncertain significance (1 of 4 stars; one submission).

Conditions:
Primary ciliary dyskinesia. Also called: Ciliary dyskinesia. Identifiers: Orphanet 244, MedGen C0008780, MONDO:0016575, HP:0012265.

Allele frequency attached by ClinVar (database versions not stated): gnomAD 0.00001; TOPMed 0.00001.
gnomAD v4.1: 13 of 1,613,958 alleles (0.00081%); highest among the groups gnomAD compares: East Asian, 0.016%; no homozygotes.

Submission:

Labcorp Genetics (formerly Invitae), Labcorp
Classification: Uncertain significance for Primary ciliary dyskinesia. Last evaluated: 2016-05-17. Review status: criteria provided, single submitter. Criteria: Invitae Variant Classification Sherloc (09022015). Collection method: clinical testing. Allele origin: germline.
Comment: This sequence change replaces arginine with histidine at codon 3845 of the DNAH5 protein (p.Arg3845His). The arginine residue is highly conserved and there is a small physicochemical difference between arginine and histidine. This variant is not present in population databases (ExAC no frequency) and has not been reported in the literature in individuals with a DNAH5-related disease. Algorithms developed to predict the effect of missense changes on protein structure and function do not agree on the potential impact of this missense change (SIFT: "Deleterious"; PolyPhen-2: "Possibly Damaging"; Align-GVGD: "Class C0"). In summary, this variant is a novel missense change with uncertain impact on protein function. It has been classified as a Variant of Uncertain Significance.

NM_001369.3(DNAH5):c.11534G>A (p.Arg3845His)

Gene: DNAH5 (dynein axonemal heavy chain 5; minus strand). Cytogenetic location: 5p15.2.
Variant type: single nucleotide variant.
Coding change: c.11534G>A on transcript NM_001369.3 (MANE Select); coding-DNA position 11534, G replaced by A.
Protein change: p.Arg3845His; replaces arginine 3845 with histidine.
Molecular consequence: missense variant.
Genome position (GRCh38, 1-based): chr5:13,735,854, C>T on the plus strand (G>A on the coding strand, the complement: DNAH5 is on the minus strand). VCF-style: chr5-13735854-C-T. GRCh37 (hg19) VCF-style: chr5-13735963-C-T.
Other names: short protein forms R3845H.
Identifiers: ClinVar variation 2178386 (VCV002178386.1), dbSNP rs1181350575, ClinGen allele CA359224679.